The following is an entry in ClinVar:

ClinVar aggregate classification (germline): Uncertain significance. Review status: criteria provided, multiple submitters, no conflicts (2 of 4 stars). 2 submissions from 2 submitters: Uncertain significance (2). Last evaluated 2022-10-24.

Allele frequency attached by ClinVar (database versions not stated): gnomAD exomes 0.00006 and 0.00013; 1000 Genomes Project 30x 0.00016; ExAC 0.00017; 1000 Genomes Project 0.00020; ESP Exome Variant Server 0.00054; gnomAD 0.00074 and 0.00078; TOPMed 0.00087.
gnomAD v4.1: 211 of 1,614,164 alleles (0.013%); highest among the groups gnomAD compares: African/African-American, 0.23%; no homozygotes.

Submissions (2):

Labcorp Genetics (formerly Invitae), Labcorp
Classification: Uncertain significance. Last evaluated: 2022-10-24. Review status: criteria provided, single submitter. Criteria: Invitae Variant Classification Sherloc (09022015). Collection method: clinical testing. Allele origin: germline.
Comment: This sequence change replaces arginine, which is basic and polar, with tryptophan, which is neutral and slightly polar, at codon 377 of the CLCC1 protein (p.Arg377Trp). This variant is present in population databases (rs150665002, gnomAD 0.2%). This variant has not been reported in the literature in individuals affected with CLCC1-related conditions. ClinVar contains an entry for this variant (Variation ID: 855150). Algorithms developed to predict the effect of missense changes on protein structure and function (SIFT, PolyPhen-2, Align-GVGD) all suggest that this variant is likely to be tolerated. In summary, the available evidence is currently insufficient to determine the role of this variant in disease. Therefore, it has been classified as a Variant of Uncertain Significance.

Ambry Genetics
Classification: Uncertain significance. Last evaluated: 2022-10-03. Review status: criteria provided, single submitter. Criteria: Ambry Variant Classification Scheme 2023. Collection method: clinical testing. Allele origin: germline.

NM_001377458.1(CLCC1):c.1129C>T (p.Arg377Trp)

Gene: CLCC1 (chloride channel CLIC like 1; minus strand). Cytogenetic location: 1p13.3.
Variant type: single nucleotide variant.
Coding change: c.1129C>T on transcript NM_001377458.1 (MANE Select); coding-DNA position 1129, C replaced by T.
Protein change: p.Arg377Trp; replaces arginine 377 with tryptophan.
Molecular consequence: missense variant. On other transcripts: non-coding transcript variant (1).
Genome position (GRCh38, 1-based): chr1:108,937,331, G>A on the plus strand (C>T on the coding strand, the complement: CLCC1 is on the minus strand). VCF-style: chr1-108937331-G-A. GRCh37 (hg19) VCF-style: chr1-109479953-G-A.
Other names: c.1129C>T, p.Arg377Trp (NM_001048210.3, NM_001377459.1, NM_001377460.1 and 8 more transcripts); c.766C>T, p.Arg256Trp (NM_001278202.2); c.574C>T, p.Arg192Trp (NM_001278203.1); c.1027C>T, p.Arg343Trp (NM_001377469.1); c.838C>T, p.Arg280Trp (NM_001377470.1); c.979C>T, p.Arg327Trp (NM_015127.5); c.1129C>T (NM_001048210.1); short protein forms R280W, R343W, R256W, R327W, R192W, R377W.
Identifiers: ClinVar variation 855150 (VCV000855150.6), dbSNP rs150665002, ClinGen allele CA983388.